The following is an entry in ClinVar:

NM_022455.5(NSD1):c.5374G>A (p.Gly1792Arg)

Genes: NSD1 (nuclear receptor binding SET domain protein 1; plus strand), LOC126807619 (MED14-independent group 3 enhancer GRCh37_chr5:176696443-176697642; plus strand). Cytogenetic location: 5q35.3.
Variant type: single nucleotide variant.
Coding change: c.5374G>A on transcript NM_022455.5 (MANE Select); coding-DNA position 5374, G replaced by A.
Protein change: p.Gly1792Arg; replaces glycine 1792 with arginine.
Molecular consequence: missense variant.
Genome position (GRCh38, 1-based): chr5:177,269,672, G>A. VCF-style: chr5-177269672-G-A. GRCh37 (hg19) VCF-style: chr5-176696673-G-A.
Other names: c.4621G>A, p.Gly1541Arg (NM_001409305.1); c.4612G>A, p.Gly1538Arg (NM_001409306.1, NM_001409307.1); c.4501G>A, p.Gly1501Arg (NM_001409308.1, NM_001409309.1, NM_172349.5 and 1 more transcripts); c.5374G>A, p.Gly1792Arg (NM_001409301.1, NM_001409302.1, NM_001409303.1); c.4954G>A, p.Gly1652Arg (NM_001409304.1); short protein forms G1501R, G1538R, G1541R, G1652R, G1792R.
Identifiers: ClinVar variation 2584511 (VCV002584511.1), dbSNP rs2480730192, ClinGen allele CA362306886.

ClinVar aggregate classification (germline): Likely pathogenic (1 of 4 stars; one submission).

Conditions:
Sotos syndrome (SOTOS). Also called: SOTOS SYNDROME 1; Sotos' syndrome; Distinctive facial appearance, overgrowth in childhood, and learning disabilities or delayed development; CEREBRAL GIGANTISM; CHROMOSOME 5q35 DELETION SYNDROME. Identifiers: Orphanet 821, MedGen C0175695, MONDO:0019349, OMIM 117550.

Submission:

Rady Children's Institute for Genomic Medicine, Rady Children's Hospital San Diego
Classification: Likely pathogenic for Sotos syndrome. Review status: criteria provided, single submitter. Criteria: ACMG Guidelines, 2015. Collection method: clinical testing. Allele origin: germline. Affected: yes.
Comment: This variant has not been previously reported or functionally characterized in the literature to our knowledge. However, a different nucleotide change affecting the same amino acid (c.5375G>T, p.Gly1792Val) has been previously reported as a de novo change in a patient with childhood overgrowth syndrome (PMID: 12464997). The c.5374G>A (p.Gly1792Arg) variant is absent from the gnomAD population database and thus is presumed to be rare. In silico analyses support a deleterious effect of this variant on protein function. Based on the available evidence, the c.5374G>A (p.Gly1792Arg) variant is classified as Likely Pathogenic.